The following is an entry in ClinVar:

NM_013339.4(ALG6):c.1171_1172del (p.Val391fs)

Gene: ALG6 (ALG6 alpha-1,3-glucosyltransferase; plus strand). Cytogenetic location: 1p31.3.
Variant type: Deletion.
Coding change: c.1171_1172del on transcript NM_013339.4 (MANE Select); coding-DNA positions 1171 to 1172, 2 bases deleted (GT; older notation c.1171_1172delGT).
Protein change: p.Val391fs; shifts the reading frame from valine 391.
Molecular consequence: frameshift variant.
Genome position (GRCh38, 1-based): chr1:63,428,971-63,428,972, GT deleted; deleting any 2 consecutive bases within chr1:63,428,970-63,428,972 gives the same sequence; the c. name uses the placement nearest the transcript's 3' end. VCF-style (leftmost placement, unchanged base first): chr1-63428969-CTG-C. GRCh37 (hg19) VCF-style: chr1-63894640-CTG-C.
Other names: short protein forms V391fs.
Identifiers: ClinVar variation 1415838 (VCV001415838.6), dbSNP rs2100440701, ClinGen allele CA2573132547.

ClinVar aggregate classification (germline): Pathogenic (1 of 4 stars; one submission).

Conditions:
ALG6-congenital disorder of glycosylation 1C (CDG1C). Also called: CARBOHYDRATE-DEFICIENT GLYCOPROTEIN SYNDROME, TYPE I, WITH DEFICIENT GLYCOSYLATION OF DOLICHOL-LINKED OLIGOSACCHARIDE; CARBOHYDRATE-DEFICIENT GLYCOPROTEIN SYNDROME, TYPE V; Congenital disorder of glycosylation type 1C; Congenital disorder of glycosylation, type Ic; CDG Ic. Identifiers: Orphanet 79320, MedGen C2930997, MONDO:0011291, OMIM 603147.

Submission:

Labcorp Genetics (formerly Invitae), Labcorp
Classification: Pathogenic for ALG6-congenital disorder of glycosylation 1C. Last evaluated: 2021-01-17. Review status: criteria provided, single submitter. Criteria: Invitae Variant Classification Sherloc (09022015). Collection method: clinical testing. Allele origin: germline.
Comment: This sequence change creates a premature translational stop signal (p.Val391Cysfs*18) in the ALG6 gene. It is expected to result in an absent or disrupted protein product. Loss-of-function variants in ALG6 are known to be pathogenic (PMID: 19862844). This variant is not present in population databases (ExAC no frequency). This variant has not been reported in the literature in individuals with ALG6-related conditions. For these reasons, this variant has been classified as Pathogenic.

Literature cited by the submitters: PubMed 19862844.